The following is an entry in ClinVar:

NM_018006.5(TRMU):c.571C>T (p.Pro191Ser)

Gene: TRMU (tRNA mitochondrial 2-thiouridylase; plus strand). Cytogenetic location: 22q13.31.
Variant type: single nucleotide variant.
Coding change: c.571C>T on transcript NM_018006.5 (MANE Select); coding-DNA position 571, C replaced by T.
Protein change: p.Pro191Ser; replaces proline 191 with serine.
Molecular consequence: missense variant. On other transcripts: non-coding transcript variant (2).
Genome position (GRCh38, 1-based): chr22:46,350,383, C>T. VCF-style: chr22-46350383-C-T. GRCh37 (hg19) VCF-style: chr22-46746280-C-T.
Other names: c.229C>T, p.Pro77Ser (NM_001282782.2); c.151C>T, p.Pro51Ser (NM_001282783.2, NM_001282784.2); c.571C>T, p.Pro191Ser (NM_001282785.2); short protein forms P191S, P51S, P77S.
Identifiers: ClinVar variation 3353610 (VCV003353610.2).

ClinVar aggregate classification (germline): Uncertain significance. Review status: criteria provided, single submitter (1 of 4 stars). 2 submissions from 2 submitters: Uncertain significance (1). 1 of the submissions does not count toward it. Last evaluated 2024-10-03.

Conditions:
Inborn genetic diseases. Identifiers: MedGen C0950123, MeSH D030342.
TRMU-related disorder. Also called: TRMU-related condition.

Submissions (2):

Ambry Genetics
Classification: Uncertain significance for Inborn genetic diseases. Last evaluated: 2024-10-03. Review status: criteria provided, single submitter. Criteria: Ambry Variant Classification Scheme 2023. Collection method: clinical testing. Allele origin: germline.

PreventionGenetics, part of Exact Sciences
Classification: Uncertain significance for TRMU-related condition. Last evaluated: 2024-08-26. Review status: no assertion criteria provided. Collection method: clinical testing. Allele origin: germline. Not counted in ClinVar's aggregate classification.
Comment: The TRMU c.571C>T variant is predicted to result in the amino acid substitution p.Pro191Ser. To our knowledge, this variant has not been reported in the literature. This variant is reported in 0.0062% of alleles in individuals of African descent in gnomAD. At this time, the clinical significance of this variant is uncertain due to the absence of conclusive functional and genetic evidence.